The following is an entry in ClinVar:

ClinVar aggregate classification (germline): Uncertain significance (1 of 4 stars; one submission).

Submission:

Labcorp Genetics (formerly Invitae), Labcorp
Classification: Uncertain significance. Last evaluated: 2020-11-10. Review status: criteria provided, single submitter. Criteria: Invitae Variant Classification Sherloc (09022015). Collection method: clinical testing. Allele origin: germline.
Comment: In summary, the available evidence is currently insufficient to determine the role of this variant in disease. Therefore, it has been classified as a Variant of Uncertain Significance. Algorithms developed to predict the effect of missense changes on protein structure and function (SIFT, PolyPhen-2, Align-GVGD) all suggest that this variant is likely to be tolerated, but these predictions have not been confirmed by published functional studies and their clinical significance is uncertain. This variant has not been reported in the literature in individuals with MSH3-related conditions. This variant is not present in population databases (ExAC no frequency). This sequence change replaces valine with isoleucine at codon 1014 of the MSH3 protein (p.Val1014Ile). The valine residue is moderately conserved and there is a small physicochemical difference between valine and isoleucine.

NM_002439.5(MSH3):c.3040G>A (p.Val1014Ile)

Gene: MSH3 (mutS homolog 3; plus strand). Cytogenetic location: 5q14.1.
Variant type: single nucleotide variant.
Coding change: c.3040G>A on transcript NM_002439.5 (MANE Select); coding-DNA position 3040, G replaced by A.
Protein change: p.Val1014Ile; replaces valine 1014 with isoleucine.
Molecular consequence: missense variant.
Genome position (GRCh38, 1-based): chr5:80,864,852, G>A. VCF-style: chr5-80864852-G-A. GRCh37 (hg19) VCF-style: chr5-80160671-G-A.
Other names: short protein forms V1014I.
Identifiers: ClinVar variation 1511965 (VCV001511965.8), dbSNP rs1746073377, ClinGen allele CA360346181.